The following is an entry in ClinVar:

NM_001365536.1(SCN9A):c.733C>A (p.Leu245Ile)

Gene: SCN9A (sodium voltage-gated channel alpha subunit 9; minus strand). Cytogenetic location: 2q24.3.
Variant type: single nucleotide variant.
Coding change: c.733C>A on transcript NM_001365536.1 (MANE Select); coding-DNA position 733, C replaced by A.
Protein change: p.Leu245Ile; replaces leucine 245 with isoleucine.
Molecular consequence: missense variant.
Genome position (GRCh38, 1-based): chr2:166,303,258, G>T on the plus strand (C>A on the coding strand, the complement: SCN9A is on the minus strand). VCF-style: chr2-166303258-G-T. GRCh37 (hg19) VCF-style: chr2-167159768-G-T.
Other names: c.733C>A, p.Leu245Ile (NM_002977.4); short protein forms L245I.
Identifiers: ClinVar variation 1976489 (VCV001976489.5), dbSNP rs756247571, ClinGen allele CA59808675.

ClinVar aggregate classification (germline): Uncertain significance (1 of 4 stars; one submission).

Conditions:
Generalized epilepsy with febrile seizures plus, type 7 (GEFSP7). Also called: GEFS+, TYPE 7. Identifiers: Orphanet 36387, MedGen C2751778, MONDO:0013470, OMIM 613863.
Neuropathy, hereditary sensory and autonomic, type 2A (HSAN2A). Also called: MORVAN DISEASE; NEUROPATHY, CONGENITAL SENSORY; NEUROPATHY, HEREDITARY SENSORY RADICULAR, AUTOSOMAL RECESSIVE; NEUROPATHY, HEREDITARY SENSORY, TYPE IIA; NEUROPATHY, PROGRESSIVE SENSORY, OF CHILDREN; ACROOSTEOLYSIS, GIACCAI TYPE. Identifiers: Orphanet 970, MedGen C2752089, MONDO:0024309, OMIM 201300.

Allele frequency attached by ClinVar (database versions not stated): TOPMed 0.00001.
gnomAD v4.1: 1 of 1,613,602 alleles (0.000062%); highest among the groups gnomAD compares: Non-Finnish European, 0.000085%; no homozygotes.

Submission:

Labcorp Genetics (formerly Invitae), Labcorp
Classification: Uncertain significance for Neuropathy, hereditary sensory and autonomic, type 2A; Generalized epilepsy with febrile seizures plus, type 7. Last evaluated: 2022-08-16. Review status: criteria provided, single submitter. Criteria: Invitae Variant Classification Sherloc (09022015). Collection method: clinical testing. Allele origin: germline.
Comment: The frequency data for this variant in the population databases is considered unreliable, as metrics indicate poor data quality at this position in the gnomAD database. This sequence change replaces leucine, which is neutral and non-polar, with isoleucine, which is neutral and non-polar, at codon 245 of the SCN9A protein (p.Leu245Ile). This variant has not been reported in the literature in individuals affected with SCN9A-related conditions. In summary, the available evidence is currently insufficient to determine the role of this variant in disease. Therefore, it has been classified as a Variant of Uncertain Significance. Algorithms developed to predict the effect of missense changes on protein structure and function are either unavailable or do not agree on the potential impact of this missense change (SIFT: "Deleterious"; PolyPhen-2: "Probably Damaging"; Align-GVGD: "Class C0").